The following is an entry in ClinVar:

ClinVar aggregate classification (germline): Conflicting classifications of pathogenicity. Review status: criteria provided, conflicting classifications (1 of 4 stars). 5 submissions from 5 submitters: Uncertain significance (3); Likely benign (2). Last evaluated 2026-09-01.

Conditions:
Inborn genetic diseases. Identifiers: MedGen C0950123, MeSH D030342.

Allele frequency attached by ClinVar (database versions not stated): gnomAD 0.00010 and 0.00011; gnomAD exomes 0.00013 and 0.00061; 1000 Genomes Project 0.00020; TOPMed 0.00029; 1000 Genomes Project 30x 0.00031; ExAC 0.00048.

Submissions (5):

CeGaT Center for Human Genetics Tuebingen
Classification: Uncertain significance. Last evaluated: 2026-09-01. Review status: criteria provided, single submitter. Criteria: CeGaT Center For Human Genetics Tuebingen Variant Classification Criteria Version 2. Collection method: clinical testing. Allele origin: germline. Affected: yes. Observed: 1 variant allele.
Comment: NBEAL2: PM2, BP4

Women's Health and Genetics/Laboratory Corporation of America, LabCorp
Classification: Likely benign. Last evaluated: 2025-12-01. Review status: criteria provided, single submitter. Criteria: LabCorp Variant Classification Summary - May 2015. Collection method: clinical testing. Allele origin: germline.
Comment: Variant summary: NBEAL2 c.4211G>A (p.Arg1404His) results in a non-conservative amino acid change in the encoded protein sequence. Algorithms developed to predict the effect of missense changes on protein structure and function are either unavailable or do not agree on the potential impact of this missense change. The variant allele was found at a frequency of 0.00061 in 246308 control chromosomes, predominantly at a frequency of 0.0042 within the Latino subpopulation in the gnomAD database. The observed variant frequency within Latino control individuals in the gnomAD database exceeds the estimated maximal expected allele frequency for disease-causing variants in NBEAL2. To our knowledge, no occurrence of c.4211G>A in individuals affected with NBEAL2-related conditions and no experimental evidence demonstrating its impact on protein function have been reported. ClinVar contains an entry for this variant (Variation ID: 712523). Based on the evidence outlined above, the variant was classified as likely benign.

Ambry Genetics
Classification: Uncertain significance for Inborn genetic diseases. Last evaluated: 2025-06-11. Review status: criteria provided, single submitter. Criteria: Ambry Variant Classification Scheme 2023. Collection method: clinical testing. Allele origin: germline.

GeneDx
Classification: Uncertain significance. Last evaluated: 2023-12-20. Review status: criteria provided, single submitter. Criteria: GeneDx Variant Classification Process June 2021. Collection method: clinical testing. Allele origin: germline. Affected: yes.
Comment: Has not been previously published as pathogenic or benign to our knowledge; In silico analysis, which includes protein predictors and evolutionary conservation, supports that this variant does not alter protein structure/function

Labcorp Genetics (formerly Invitae), Labcorp
Classification: Likely benign. Last evaluated: 2019-12-31. Review status: criteria provided, single submitter. Criteria: Invitae Variant Classification Sherloc (09022015). Collection method: clinical testing. Allele origin: germline.

NM_015175.3(NBEAL2):c.4211G>A (p.Arg1404His)

Gene: NBEAL2 (neurobeachin like 2; plus strand). Cytogenetic location: 3p21.31.
Variant type: single nucleotide variant.
Coding change: c.4211G>A on transcript NM_015175.3 (MANE Select); coding-DNA position 4211, G replaced by A.
Protein change: p.Arg1404His; replaces arginine 1404 with histidine.
Molecular consequence: missense variant.
Genome position (GRCh38, 1-based): chr3:47,000,310, G>A. VCF-style: chr3-47000310-G-A. GRCh37 (hg19) VCF-style: chr3-47041800-G-A.
Other names: c.4211G>A (NM_015175.1); c.4109G>A, p.Arg1370His (NM_001365116.2); short protein forms R1404H, R1370H.
Identifiers: ClinVar variation 712523 (VCV000712523.11), dbSNP rs202066156, ClinGen allele CA2361174.